The following is an entry in ClinVar:

NM_003476.5(CSRP3):c.72G>C (p.Gln24His)

Gene: CSRP3 (cysteine and glycine rich protein 3; minus strand). Cytogenetic location: 11p15.1.
Variant type: single nucleotide variant.
Coding change: c.72G>C on transcript NM_003476.5 (MANE Select); coding-DNA position 72, G replaced by C.
Protein change: p.Gln24His; replaces glutamine 24 with histidine.
Molecular consequence: missense variant.
Genome position (GRCh38, 1-based): chr11:19,192,377, C>G on the plus strand (G>C on the coding strand, the complement: CSRP3 is on the minus strand). VCF-style: chr11-19192377-C-G. GRCh37 (hg19) VCF-style: chr11-19213924-C-G.
Other names: c.72G>C, p.Gln24His (NM_001127656.1, NM_001369404.1); short protein forms Q24H.
Identifiers: ClinVar variation 2447688 (VCV002447688.2), dbSNP rs1590106178, ClinGen allele CA379888556.

ClinVar aggregate classification (germline): Uncertain significance (1 of 4 stars; one submission).

Conditions:
Cardiovascular phenotype. Identifiers: MedGen CN230736.

Submission:

Ambry Genetics
Classification: Uncertain significance for Cardiovascular phenotype. Last evaluated: 2022-12-18. Review status: criteria provided, single submitter. Criteria: Ambry Variant Classification Scheme 2023. Collection method: clinical testing. Allele origin: germline.
Comment: The p.Q24H variant (also known as c.72G>C), located in coding exon 1 of the CSRP3 gene, results from a G to C substitution at nucleotide position 72. The glutamine at codon 24 is replaced by histidine, an amino acid with highly similar properties. This amino acid position is conserved. In addition, this alteration is predicted to be deleterious by in silico analysis. Since supporting evidence is limited at this time, the clinical significance of this alteration remains unclear.